The following is an entry in ClinVar:

ClinVar aggregate classification (germline): Benign/Likely benign. Review status: criteria provided, multiple submitters, no conflicts (2 of 4 stars). 2 submissions from 2 submitters: Benign (1); Likely benign (1). Last evaluated 2026-09-01.

Allele frequency attached by ClinVar (database versions not stated): ESP Exome Variant Server 0.00097; gnomAD 0.00106 and 0.00158; TOPMed 0.00115; 1000 Genomes Project 0.00260; 1000 Genomes Project 30x 0.00281.
gnomAD v4.1: 2,448 of 1,581,728 alleles (0.15%); highest among the groups gnomAD compares: Middle Eastern, 1.3%; 17 homozygotes.

Submissions (2):

CeGaT Center for Human Genetics Tuebingen
Classification: Likely benign. Last evaluated: 2026-09-01. Review status: criteria provided, single submitter. Criteria: CeGaT Center For Human Genetics Tuebingen Variant Classification Criteria Version 2. Collection method: clinical testing. Allele origin: germline. Affected: yes. Observed: 16 variant alleles.
Comment: INTS1: BP4, BP7, BS2

Labcorp Genetics (formerly Invitae), Labcorp
Classification: Benign. Last evaluated: 2019-12-31. Review status: criteria provided, single submitter. Criteria: Invitae Variant Classification Sherloc (09022015). Collection method: clinical testing. Allele origin: germline.

NM_001080453.3(INTS1):c.6282G>A (p.Ser2094=)

Gene: INTS1 (integrator complex subunit 1; minus strand). Cytogenetic location: 7p22.3.
Variant type: single nucleotide variant.
Coding change: c.6282G>A on transcript NM_001080453.3 (MANE Select); coding-DNA position 6282, G replaced by A.
Protein change: p.Ser2094=; no amino-acid change (serine 2094 retained).
Molecular consequence: synonymous variant.
Genome position (GRCh38, 1-based): chr7:1,471,198, C>T on the plus strand (G>A on the coding strand, the complement: INTS1 is on the minus strand). VCF-style: chr7-1471198-C-T. GRCh37 (hg19) VCF-style: chr7-1510834-C-T.
Identifiers: ClinVar variation 789292 (VCV000789292.28), dbSNP rs149670463, ClinGen allele CA4118004.